The following is an entry in ClinVar:

ClinVar aggregate classification (germline): Uncertain significance (1 of 4 stars; one submission).

Conditions:
Hajdu-Cheney syndrome (HJCYS). Also called: SERPENTINE FIBULA-POLYCYSTIC KIDNEY SYNDROME; ACROOSTEOLYSIS WITH OSTEOPOROSIS AND CHANGES IN SKULL AND MANDIBLE; Acroosteolysis dominant type. Identifiers: Orphanet 955, MedGen C0917715, MONDO:0007057, OMIM 102500.

Submission:

Labcorp Genetics (formerly Invitae), Labcorp
Classification: Uncertain significance for Hajdu-Cheney syndrome. Last evaluated: 2023-03-14. Review status: criteria provided, single submitter. Criteria: Invitae Variant Classification Sherloc (09022015). Collection method: clinical testing. Allele origin: germline.
Comment: In summary, the available evidence is currently insufficient to determine the role of this variant in disease. Therefore, it has been classified as a Variant of Uncertain Significance. Advanced modeling of protein sequence and biophysical properties (such as structural, functional, and spatial information, amino acid conservation, physicochemical variation, residue mobility, and thermodynamic stability) performed at Invitae indicates that this missense variant is not expected to disrupt NOTCH2 protein function. This variant has not been reported in the literature in individuals affected with NOTCH2-related conditions. This variant is not present in population databases (gnomAD no frequency). This sequence change replaces isoleucine, which is neutral and non-polar, with valine, which is neutral and non-polar, at codon 2058 of the NOTCH2 protein (p.Ile2058Val).

NM_024408.4(NOTCH2):c.6172A>G (p.Ile2058Val)

Gene: NOTCH2 (notch receptor 2; minus strand). Cytogenetic location: 1p12.
Variant type: single nucleotide variant.
Coding change: c.6172A>G on transcript NM_024408.4 (MANE Select); coding-DNA position 6172, A replaced by G.
Protein change: p.Ile2058Val; replaces isoleucine 2058 with valine.
Molecular consequence: missense variant.
Genome position (GRCh38, 1-based): chr1:119,916,550, T>C on the plus strand (A>G on the coding strand, the complement: NOTCH2 is on the minus strand). VCF-style: chr1-119916550-T-C. GRCh37 (hg19) VCF-style: chr1-120459173-T-C.
Other names: short protein forms I2058V.
Identifiers: ClinVar variation 2956277 (VCV002956277.3), dbSNP rs2526108421, ClinGen allele CA341880283.
Genomic context (GRCh38, chr1:119,916,550, plus strand): 5'-AAGTCAACACGGTGCCTGGAGGGCTTGGGGTCACATTGTATTCATCCAGAAGGCGCACAA[T>C]GTCATGGTGCATGCGATCCCGAGCCACATCCCGGGGAAGACGATCCATATGGTCTGTGAT-3'
Protein context (NP_077719.2, residues 2048-2068): DVARDRMHHD[Ile2058Val]VRLLDEYNVT